The following is an entry in ClinVar:

NM_015114.3(ANKLE2):c.2189C>T (p.Ser730Leu)

Gene: ANKLE2 (ankyrin repeat and LEM domain containing 2; minus strand). Cytogenetic location: 12q24.33.
Variant type: single nucleotide variant.
Coding change: c.2189C>T on transcript NM_015114.3 (MANE Select); coding-DNA position 2189, C replaced by T.
Protein change: p.Ser730Leu; replaces serine 730 with leucine.
Molecular consequence: missense variant.
Genome position (GRCh38, 1-based): chr12:132,729,973, G>A on the plus strand (C>T on the coding strand, the complement: ANKLE2 is on the minus strand). VCF-style: chr12-132729973-G-A. GRCh37 (hg19) VCF-style: chr12-133306559-G-A.
Other names: c.2189C>T (NM_015114.1); short protein forms S730L.
Identifiers: ClinVar variation 3033904 (VCV003033904.3), dbSNP rs201957832, ClinGen allele CA6895297.

ClinVar aggregate classification (germline): Likely benign. Review status: criteria provided, single submitter (1 of 4 stars). 2 submissions from 2 submitters: Likely benign (1). 1 of the submissions does not count toward it. Last evaluated 2025-04-06.

Conditions:
Inborn genetic diseases. Identifiers: MedGen C0950123, MeSH D030342.
ANKLE2-related disorder. Also called: ANKLE2-related condition.

Allele frequency attached by ClinVar (database versions not stated): ESP Exome Variant Server 0.00008; 1000 Genomes Project 0.00160; TOPMed 0.00028; ExAC 0.00037; 1000 Genomes Project 30x 0.00156; gnomAD exomes 0.00012; gnomAD 0.00029.
gnomAD v4.1: 227 of 1,613,408 alleles (0.014%); highest among the groups gnomAD compares: East Asian, 0.31%; 3 homozygotes.

Submissions (2):

Ambry Genetics
Classification: Likely benign for Inborn genetic diseases. Last evaluated: 2025-04-06. Review status: criteria provided, single submitter. Criteria: Ambry Variant Classification Scheme 2023. Collection method: clinical testing. Allele origin: germline.

PreventionGenetics, part of Exact Sciences
Classification: Likely benign for ANKLE2-related condition. Last evaluated: 2019-06-12. Review status: no assertion criteria provided. Collection method: clinical testing. Allele origin: germline. Not counted in ClinVar's aggregate classification.
Comment: This variant is classified as likely benign based on ACMG/AMP sequence variant interpretation guidelines (Richards et al. 2015 PMID: 25741868, with internal and published modifications).